The following is an entry in ClinVar:

NM_002470.4(MYH3):c.998C>G (p.Thr333Arg)

Gene: MYH3 (myosin heavy chain 3; minus strand). Cytogenetic location: 17p13.1.
Variant type: single nucleotide variant.
Coding change: c.998C>G on transcript NM_002470.4 (MANE Select); coding-DNA position 998, C replaced by G.
Protein change: p.Thr333Arg; replaces threonine 333 with arginine.
Molecular consequence: missense variant.
Genome position (GRCh38, 1-based): chr17:10,645,933, G>C on the plus strand (C>G on the coding strand, the complement: MYH3 is on the minus strand). VCF-style: chr17-10645933-G-C. GRCh37 (hg19) VCF-style: chr17-10549250-G-C.
Other names: short protein forms T333R.
Identifiers: ClinVar variation 634839 (VCV000634839.4), dbSNP rs1567559562, ClinGen allele CA398177101.

ClinVar aggregate classification (germline): Likely pathogenic. Review status: criteria provided, single submitter (1 of 4 stars). 2 submissions from 2 submitters: Likely pathogenic (1). 1 of the submissions does not count toward it. Last evaluated 2019-08-21.

Conditions:
Contractures, pterygia, and spondylocarpotarsal fusion syndrome 1A (CPSFS1A). Also called: MULTIPLE PTERYGIUM SYNDROME, AUTOSOMAL DOMINANT; Distal arthrogryposis type 8; Contractures, pterygia, and variable skeletal fusions syndrome 1A. Identifiers: Orphanet 65743, MedGen C1867440, MONDO:0008338, OMIM 178110.

Submissions (2):

SIB Swiss Institute of Bioinformatics
Classification: Likely pathogenic for Contractures, pterygia, and spondylocarpotarsal fusion syndrome 1A. Last evaluated: 2019-08-21. Review status: criteria provided, single submitter. Criteria: ACMG Guidelines, 2015. Collection method: curation. Allele origin: unknown.
Comment: This variant is interpreted as a Likely pathogenic for Contractures, pterygia, and variable skeletal fusions syndrome 1A, autosomal dominant. The following ACMG Tag(s) were applied: PM2, PP3, PM1, PM6.

OMIM
Classification: Pathogenic for CONTRACTURES, PTERYGIA, AND SPONDYLOCARPOTARSAL FUSION SYNDROME 1A. Last evaluated: 2020-02-27. Review status: no assertion criteria provided. Collection method: literature only. Allele origin: germline. Not counted in ClinVar's aggregate classification.

Literature cited by the submitters: PubMed 27381093 (cited by SIB Swiss Institute of Bioinformatics and OMIM); PubMed 18470895 (cited by OMIM).